The following is an entry in ClinVar:

NM_024675.4(PALB2):c.601A>C (p.Ser201Arg)

Gene: PALB2 (partner and localizer of BRCA2; minus strand). Cytogenetic location: 16p12.2.
Variant type: single nucleotide variant.
Coding change: c.601A>C on transcript NM_024675.4 (MANE Select); coding-DNA position 601, A replaced by C.
Protein change: p.Ser201Arg; replaces serine 201 with arginine.
Molecular consequence: missense variant.
Genome position (GRCh38, 1-based): chr16:23,635,945, T>G on the plus strand (A>C on the coding strand, the complement: PALB2 is on the minus strand). VCF-style: chr16-23635945-T-G. GRCh37 (hg19) VCF-style: chr16-23647266-T-G.
Other names: c.541A>C, p.Ser181Arg (NM_001407296.1); c.601A>C, p.Ser201Arg (NM_001407297.1, NM_001407298.1, NM_001407299.1 and 3 more transcripts); c.-285A>C (NM_001407304.1, NM_001407305.1, NM_001407306.1 and 5 more transcripts); short protein forms S201R, S181R.
Identifiers: ClinVar variation 1994311 (VCV001994311.4), dbSNP rs2142439443, ClinGen allele CA395136686.

ClinVar aggregate classification (germline): Uncertain significance (1 of 4 stars; one submission).

Conditions:
Familial cancer of breast. Also called: hereditary breast carcinoma; Hereditary breast cancer; BREAST CANCER, FAMILIAL. Identifiers: Orphanet 227535, MedGen C0346153, MONDO:0016419, OMIM 114480. Disease mechanism: loss of function.

Submission:

Labcorp Genetics (formerly Invitae), Labcorp
Classification: Uncertain significance for Familial cancer of breast. Last evaluated: 2022-05-14. Review status: criteria provided, single submitter. Criteria: Invitae Variant Classification Sherloc (09022015). Collection method: clinical testing. Allele origin: germline.
Comment: In summary, the available evidence is currently insufficient to determine the role of this variant in disease. Therefore, it has been classified as a Variant of Uncertain Significance. Algorithms developed to predict the effect of missense changes on protein structure and function output the following: SIFT: "Tolerated"; PolyPhen-2: "Benign"; Align-GVGD: "Class C0". The arginine amino acid residue is found in multiple mammalian species, which suggests that this missense change does not adversely affect protein function. This variant has not been reported in the literature in individuals affected with PALB2-related conditions. This variant is not present in population databases (gnomAD no frequency). This sequence change replaces serine, which is neutral and polar, with arginine, which is basic and polar, at codon 201 of the PALB2 protein (p.Ser201Arg).